The following is an entry in ClinVar:

ClinVar aggregate classification (germline): Likely pathogenic (1 of 4 stars; one submission).

Conditions:
Cardiovascular phenotype. Identifiers: MedGen CN230736.

Submission:

Ambry Genetics
Classification: Likely pathogenic for Cardiovascular phenotype. Last evaluated: 2025-05-19. Review status: criteria provided, single submitter. Criteria: Ambry Variant Classification Scheme 2023. Collection method: clinical testing. Allele origin: germline.
Comment: The p.R4608L variant (also known as c.13823G>T), located in coding exon 95 of the RYR2 gene, results from a G to T substitution at nucleotide position 13823. The arginine at codon 4608 is replaced by leucine, an amino acid with dissimilar properties. Other variant(s) at the same codon, c.13822C>T (p.R4608W), c.13823G>A (p.R4608Q), have been identified in individuals with features consistent with RYR2-related ventricular arrhythmia (Wang D et al. Forensic Sci Int, 2014 Apr;237:90-9; Grondin S et al. Eur Heart J, 2022 Aug;43:3071-3081; Roston TM et al. JAMA Cardiol, 2022 Jan;7:84-92). Based on internal structural analysis, this variant is anticipated to disrupt a region of known function (Ambry internal data). This variant is considered to be rare based on population cohorts in the Genome Aggregation Database (gnomAD). This amino acid position is highly conserved in available vertebrate species. In addition, this alteration is predicted to be deleterious by in silico analysis. Based on the majority of available evidence to date, this variant is likely to be pathogenic.

NM_001035.3(RYR2):c.13823G>T (p.Arg4608Leu)

Gene: RYR2 (ryanodine receptor 2; plus strand). Cytogenetic location: 1q43.
Variant type: single nucleotide variant.
Coding change: c.13823G>T on transcript NM_001035.3 (MANE Select); coding-DNA position 13823, G replaced by T.
Protein change: p.Arg4608Leu; replaces arginine 4608 with leucine.
Molecular consequence: missense variant.
Genome position (GRCh38, 1-based): chr1:237,793,907, G>T. VCF-style: chr1-237793907-G-T. GRCh37 (hg19) VCF-style: chr1-237957207-G-T.
Other names: short protein forms R4608L.
Identifiers: ClinVar variation 3949071 (VCV003949071.1).